The following is an entry in ClinVar:

NM_005465.7(AKT3):c.1271C>T (p.Pro424Leu)

Gene: AKT3 (AKT serine/threonine kinase 3; minus strand). Cytogenetic location: 1q44.
Variant type: single nucleotide variant.
Coding change: c.1271C>T on transcript NM_005465.7 (MANE Select); coding-DNA position 1271, C replaced by T.
Protein change: p.Pro424Leu; replaces proline 424 with leucine.
Molecular consequence: missense variant.
Genome position (GRCh38, 1-based): chr1:243,512,407, G>A on the plus strand (C>T on the coding strand, the complement: AKT3 is on the minus strand). VCF-style: chr1-243512407-G-A. GRCh37 (hg19) VCF-style: chr1-243675709-G-A.
Other names: c.1271C>T (NM_005465.4); c.1271C>T, p.Pro424Leu (NM_001206729.2, NM_001370074.1, NM_181690.2); short protein forms P424L.
Identifiers: ClinVar variation 2776264 (VCV002776264.4), dbSNP rs1290444154, ClinGen allele CA345668755.

ClinVar aggregate classification (germline): Uncertain significance. Review status: criteria provided, multiple submitters, no conflicts (2 of 4 stars). 2 submissions from 2 submitters: Uncertain significance (2). Last evaluated 2024-04-05.

Conditions:
Megalencephaly-polymicrogyria-polydactyly-hydrocephalus syndrome 2 (MPPH2). Also called: MEGALENCEPHALY-POLYMICROGYRIA-POLYDACTYLY-HYDROCEPHALUS SYNDROME 2, SOMATIC. Identifiers: Orphanet 83473, MedGen C4014738, MONDO:0014407, OMIM 615937.

Allele frequency attached by ClinVar (database versions not stated): gnomAD 0.00001; TOPMed below 0.00001.
gnomAD v4.1: 2 of 1,580,350 alleles (0.00013%); highest among the groups gnomAD compares: Non-Finnish European, 0.000086%; no homozygotes.

Submissions (2):

GeneDx
Classification: Uncertain significance. Last evaluated: 2024-04-05. Review status: criteria provided, single submitter. Criteria: GeneDx Variant Classification Process June 2021. Collection method: clinical testing. Allele origin: germline. Affected: yes.
Comment: Not observed at significant frequency in large population cohorts (gnomAD); In silico analysis supports that this missense variant has a deleterious effect on protein structure/function; Has not been previously published as pathogenic or benign to our knowledge

Labcorp Genetics (formerly Invitae), Labcorp
Classification: Uncertain significance for Megalencephaly-polymicrogyria-polydactyly-hydrocephalus syndrome 2. Last evaluated: 2023-02-10. Review status: criteria provided, single submitter. Criteria: Invitae Variant Classification Sherloc (09022015). Collection method: clinical testing. Allele origin: germline.
Comment: Advanced modeling of protein sequence and biophysical properties (such as structural, functional, and spatial information, amino acid conservation, physicochemical variation, residue mobility, and thermodynamic stability) performed at Invitae indicates that this missense variant is expected to disrupt AKT3 protein function. This variant has not been reported in the literature in individuals affected with AKT3-related conditions. This variant is not present in population databases (gnomAD no frequency). This sequence change replaces proline, which is neutral and non-polar, with leucine, which is neutral and non-polar, at codon 424 of the AKT3 protein (p.Pro424Leu). In summary, the available evidence is currently insufficient to determine the role of this variant in disease. Therefore, it has been classified as a Variant of Uncertain Significance.